The following is an entry in ClinVar:

ClinVar aggregate classification (germline): Uncertain significance. Review status: criteria provided, multiple submitters, no conflicts (2 of 4 stars). 6 submissions from 6 submitters: Uncertain significance (5). 1 of the submissions does not count toward it. Last evaluated 2026-10-08.

Conditions:
Generalized epilepsy with febrile seizures plus, type 2 (GEFSP2). Also called: GEFS+, TYPE 2. Identifiers: Orphanet 36387, MedGen C1858673, MONDO:0011461, OMIM 604403.
SCN1A-related disorder. Also called: SCN1A-related conditions; SCN1A-related condition; SCN1A-related disorders.
Inborn genetic diseases. Identifiers: MedGen C0950123, MeSH D030342.
Early-infantile DEE. Also called: Early infantile epileptic encephalopathy with suppression bursts; Ohtahara syndrome; Early infantile epileptic encephalopathy. Identifiers: Orphanet 1934, MedGen C0393706, MONDO:0800491.

Allele frequency attached by ClinVar (database versions not stated): gnomAD exomes below 0.00001 and 0.00001; ESP Exome Variant Server 0.00008.

Submissions (6):

GeneDx
Classification: Uncertain significance. Last evaluated: 2026-10-08. Review status: criteria provided, single submitter. Criteria: GeneDx Variant Classification Process June 2021. Collection method: clinical testing. Allele origin: germline.
Comment: Reported in a proband with Dravet syndrome in the published literature (PMID: 42667410); In silico analysis supports that this missense variant has a deleterious effect on protein structure/function; This substitution is predicted to be within the C-terminal cytoplasmic domain; Not observed at significant frequency in large population cohorts (gnomAD); This variant is associated with the following publications: (PMID: 33726816, 42667410)

Labcorp Genetics (formerly Invitae), Labcorp
Classification: Uncertain significance for Early-infantile DEE. Last evaluated: 2024-09-10. Review status: criteria provided, single submitter. Criteria: Invitae Variant Classification Sherloc (09022015). Collection method: clinical testing. Allele origin: germline.
Comment: This sequence change replaces arginine, which is basic and polar, with glutamine, which is neutral and polar, at codon 1912 of the SCN1A protein (p.Arg1912Gln). This variant is present in population databases (rs373896263, gnomAD 0.002%). This variant has not been reported in the literature in individuals affected with SCN1A-related conditions. ClinVar contains an entry for this variant (Variation ID: 650943). Invitae Evidence Modeling of protein sequence and biophysical properties (such as structural, functional, and spatial information, amino acid conservation, physicochemical variation, residue mobility, and thermodynamic stability) indicates that this missense variant is expected to disrupt SCN1A protein function with a positive predictive value of 95%. In summary, the available evidence is currently insufficient to determine the role of this variant in disease. Therefore, it has been classified as a Variant of Uncertain Significance.

Blueprint Genetics
Classification: Uncertain significance. Last evaluated: 2023-06-15. Review status: criteria provided, single submitter. Criteria: ACMG Guidelines, 2015. Collection method: clinical testing. Allele origin: germline.

Centre for Inherited Metabolic Diseases, Karolinska University Hospital
Classification: Uncertain significance for Generalized epilepsy with febrile seizures plus, type 2. Last evaluated: 2021-04-25. Review status: criteria provided, single submitter. Criteria: ACMG Guidelines, 2015. Collection method: clinical testing. Allele origin: germline. Inheritance: Autosomal dominant inheritance. Affected: yes. Observed: 1 heterozygote.
Comment: Considered to be causative of the patients phenotype.

Ambry Genetics
Classification: Uncertain significance for Inborn genetic diseases. Last evaluated: 2019-09-08. Review status: criteria provided, single submitter. Criteria: Ambry exome assertion method (8-5-2015). Collection method: clinical testing. Allele origin: germline. Affected: yes. Observed: 1 variant allele.

PreventionGenetics, part of Exact Sciences
Classification: Uncertain significance for SCN1A-related condition. Last evaluated: 2024-09-24. Review status: no assertion criteria provided. Collection method: clinical testing. Allele origin: germline. Not counted in ClinVar's aggregate classification.
Comment: The SCN1A c.5735G>A variant is predicted to result in the amino acid substitution p.Arg1912Gln. This variant was reported in a large cohort of individuals who had diagnostic whole genome sequencing performed; however, the patient's precise phenotype was not described (Table S7, Stranneheim et al. 2021. PubMed ID: 33726816). This variant is reported in 0.0018% of alleles in individuals of European (Non-Finnish) descent in gnomAD. At this time, the clinical significance of this variant is uncertain due to the absence of conclusive functional and genetic evidence.

NM_001165963.4(SCN1A):c.5735G>A (p.Arg1912Gln)

Genes: SCN1A (sodium voltage-gated channel alpha subunit 1; minus strand), LOC102724058 (uncharacterized LOC102724058; plus strand). Cytogenetic location: 2q24.3.
Variant type: single nucleotide variant.
Coding change: c.5735G>A on transcript NM_001165963.4 (MANE Select); coding-DNA position 5735, G replaced by A.
Protein change: p.Arg1912Gln; replaces arginine 1912 with glutamine.
Molecular consequence: missense variant. On other transcripts: non-coding transcript variant (1).
Genome position (GRCh38, 1-based): chr2:165,991,540, C>T on the plus strand (G>A on the coding strand, the complement: SCN1A is on the minus strand). VCF-style: chr2-165991540-C-T. GRCh37 (hg19) VCF-style: chr2-166848050-C-T.
Other names: c.5735G>A (NM_001202435.1); c.5651G>A, p.Arg1884Gln (NM_001165964.3, NM_001353957.2, NM_001353958.2); c.5735G>A, p.Arg1912Gln (NM_001202435.3, NM_001353948.2); c.5702G>A, p.Arg1901Gln (NM_001353949.2, NM_001353950.2, NM_001353951.2 and 2 more transcripts); c.5699G>A, p.Arg1900Gln (NM_001353954.2, NM_001353955.2); c.5648G>A, p.Arg1883Gln (NM_001353960.2); c.3293G>A, p.Arg1098Gln (NM_001353961.2); short protein forms R1883Q, R1912Q, R1098Q, R1900Q, R1884Q, R1901Q.
Identifiers: ClinVar variation 650943 (VCV000650943.21), dbSNP rs373896263, ClinGen allele CA59797897.
Genomic context (GRCh38, chr2:165,991,540, plus strand): 5'-TTTAAAAGGTGGCGTCTGTAAGCACGCTGAATAATGACAGCAGATACTTCCTCTTGTTTT[C>T]GTTTTAAAGTAGTAGTGATTGGCTGATAGGAGACCTTGGAAGGATTGGAAGCCATGAATC-3'
Protein context (NP_001159435.1, residues 1902-1922): SYQPITTTLK[Arg1912Gln]KQEEVSAVII